The following is an entry in ClinVar:

ClinVar aggregate classification (germline): Pathogenic/Likely pathogenic. Review status: criteria provided, multiple submitters, no conflicts (2 of 4 stars). 3 submissions from 3 submitters: Pathogenic (1); Likely pathogenic (1). 1 of the submissions does not count toward it. Last evaluated 2022-05-04.

Conditions:
Developmental and epileptic encephalopathy, 87. Also called: EPILEPTIC ENCEPHALOPATHY, EARLY INFANTILE, 87. Identifiers: MedGen C5394501, MONDO:0030059, OMIM 618916.

Submissions (3):

Mendelics
Classification: Pathogenic for Developmental and epileptic encephalopathy, 87. Last evaluated: 2022-05-04. Review status: criteria provided, single submitter. Criteria: Mendelics Assertion Criteria 2019. Collection method: clinical testing. Allele origin: germline.

Cipher Gene Genetics Laboratory, Cipher Gene, Inc
Classification: Likely pathogenic for Developmental and epileptic encephalopathy, 87. Last evaluated: 2020-07-01. Review status: criteria provided, single submitter. Criteria: ACMG Guidelines, 2015. Collection method: clinical testing. Allele origin: de novo. Inheritance: Autosomal dominant inheritance. Affected: yes. Observed: 1 heterozygote.
Comment: Its neighboring amino acid change of Tyr32His was verified to be pathogenic for a early infantile epileptic encephalopathy patient (PubMed: 32330417).

OMIM
Classification: Pathogenic for DEVELOPMENTAL AND EPILEPTIC ENCEPHALOPATHY 87. Last evaluated: 2022-10-18. Review status: no assertion criteria provided. Collection method: literature only. Allele origin: germline. Not counted in ClinVar's aggregate classification.

Literature cited by the submitters: PubMed 33568421 (cited by OMIM).

NM_015076.5(CDK19):c.92C>A (p.Thr31Asn)

Genes: CDK19 (cyclin dependent kinase 19; minus strand), AMD1 (adenosylmethionine decarboxylase 1; plus strand). Cytogenetic location: 6q21.
Variant type: single nucleotide variant.
Coding change: c.92C>A on transcript NM_015076.5 (MANE Select); coding-DNA position 92, C replaced by A.
Protein change: p.Thr31Asn; replaces threonine 31 with asparagine.
Molecular consequence: missense variant. On other transcripts: intron variant (3).
Genome position (GRCh38, 1-based): chr6:110,815,045, G>T on the plus strand (C>A on the coding strand, the complement: CDK19 is on the minus strand). VCF-style: chr6-110815045-G-T. GRCh37 (hg19) VCF-style: chr6-111136248-G-T.
Other names: c.-98+230G>T (NM_001287215.2); c.92C>A, p.Thr31Asn (NM_001300960.2); c.-53+763C>A (NM_001300964.2); c.-115+526C>A (NM_001300963.2); short protein forms T31N.
Identifiers: ClinVar variation 973853 (VCV000973853.7), dbSNP rs1783518295, ClinGen allele CA365245584.
Genomic context (GRCh38, chr6:110,815,045, plus strand): 5'-TACTCCTCCCGCCCCTGCTCTTACCCATCTTTCCGCCTCGCCTTGTAGACGTGACCGTAG[G>T]TGCCGCGTCCCACTTTGCACCCTTCGTACTCAAACAAATCCTCCACCCGCTCCCGCTCCG-3'
Protein context (NP_055891.1, residues 21-41): EYEGCKVGRG[Thr31Asn]YGHVYKARRK